The following is an entry in ClinVar:

ClinVar aggregate classification (germline): Benign (1 of 4 stars; one submission).

Allele frequency attached by ClinVar (database versions not stated): 1000 Genomes Project 30x 0.09806; TOPMed 0.12351; 1000 Genomes Project 0.09385.

Submission:

GeneDx
Classification: Benign. Last evaluated: 2018-06-14. Review status: criteria provided, single submitter. Criteria: GeneDx Variant Classification (06012015). Collection method: clinical testing. Allele origin: germline. Affected: yes.
Comment: This variant is considered likely benign or benign based on one or more of the following criteria: it is a conservative change, it occurs at a poorly conserved position in the protein, it is predicted to be benign by multiple in silico algorithms, and/or has population frequency not consistent with disease.

NM_032861.4(SERAC1):c.356-311C>G

Gene: SERAC1 (serine active site containing 1; minus strand). Cytogenetic location: 6q25.3.
Variant type: single nucleotide variant.
Coding change: c.356-311C>G on transcript NM_032861.4 (MANE Select); 311 bases into the intron before coding-DNA position 356, C replaced by G.
Molecular consequence: intron variant.
Genome position (GRCh38, 1-based): chr6:158,147,224, G>C on the plus strand (C>G on the coding strand, the complement: SERAC1 is on the minus strand). VCF-style: chr6-158147224-G-C. GRCh37 (hg19) VCF-style: chr6-158568256-G-C.
Identifiers: ClinVar variation 680780 (VCV000680780.1), dbSNP rs13198418, ClinGen allele CA12283375.
Genomic context (GRCh38, chr6:158,147,224, plus strand): 5'-AGTCTCGCTCTGTTACCCAGGCTGGAGTGCAGTGACACAATCGTGGCTCACTGCAGCTTC[G>C]ACCTCTTGGGCTCAAACAATCCTCCCACCTCAGCCTCCTGAGTAGCTGAGATCACAGGGG-3'